The following is an entry in ClinVar:

ClinVar aggregate classification (germline): Uncertain significance (1 of 4 stars; one submission).

Allele frequency attached by ClinVar (database versions not stated): TOPMed 0.00001; gnomAD 0.00002.
gnomAD v4.1: 3 of 1,614,048 alleles (0.00019%); highest among the groups gnomAD compares: African/African-American, 0.004%; no homozygotes.

Submission:

Labcorp Genetics (formerly Invitae), Labcorp
Classification: Uncertain significance. Last evaluated: 2022-06-13. Review status: criteria provided, single submitter. Criteria: Invitae Variant Classification Sherloc (09022015). Collection method: clinical testing. Allele origin: germline.
Comment: In summary, the available evidence is currently insufficient to determine the role of this variant in disease. Therefore, it has been classified as a Variant of Uncertain Significance. Algorithms developed to predict the effect of missense changes on protein structure and function are either unavailable or do not agree on the potential impact of this missense change (SIFT: "Tolerated"; PolyPhen-2: "Possibly Damaging"; Align-GVGD: "Class C0"). This variant has not been reported in the literature in individuals affected with HPS1-related conditions. This variant is present in population databases (no rsID available, gnomAD 0.01%). This sequence change replaces threonine, which is neutral and polar, with serine, which is neutral and polar, at codon 291 of the HPS1 protein (p.Thr291Ser).

NM_000195.5(HPS1):c.871A>T (p.Thr291Ser)

Gene: HPS1 (HPS1 biogenesis of lysosomal organelles complex 3 subunit 1; minus strand). Cytogenetic location: 10q24.2.
Variant type: single nucleotide variant.
Coding change: c.871A>T on transcript NM_000195.5 (MANE Select); coding-DNA position 871, A replaced by T.
Protein change: p.Thr291Ser; replaces threonine 291 with serine.
Molecular consequence: missense variant. On other transcripts: 5 prime UTR variant (3).
Genome position (GRCh38, 1-based): chr10:98,429,639, T>A on the plus strand (A>T on the coding strand, the complement: HPS1 is on the minus strand). VCF-style: chr10-98429639-T-A. GRCh37 (hg19) VCF-style: chr10-100189396-T-A.
Other names: c.-102A>T (NM_001311345.2, NM_001322487.2, NM_001322489.2); c.871A>T, p.Thr291Ser (NM_001322476.2, NM_001322477.2, NM_182639.4); c.772A>T, p.Thr258Ser (NM_001322478.2, NM_001322479.2, NM_001322491.2); c.610A>T, p.Thr204Ser (NM_001322480.2, NM_001322481.2); c.511A>T, p.Thr171Ser (NM_001322482.2); c.502A>T, p.Thr168Ser (NM_001322483.2, NM_001322484.2); c.403A>T, p.Thr135Ser (NM_001322485.2); c.753A>T, p.Arg251Ser (NM_001322490.2); and 1 more; short protein forms R218S, T168S, R251S, T135S, T258S, T171S, T204S, T291S.
Identifiers: ClinVar variation 1382132 (VCV001382132.6), dbSNP rs1292414945, ClinGen allele CA378051308.